The following is an entry in ClinVar:

ClinVar aggregate classification (germline): Pathogenic. Review status: criteria provided, multiple submitters, no conflicts (2 of 4 stars). 2 submissions from 2 submitters: Pathogenic (2). Last evaluated 2025-12-30.

Conditions:
Epidermolysis bullosa dystrophica. Also called: Dystrophic epidermolysis bullosa, Hallopeau-Siemens type (formerly); Dystrophic epidermolysis bullosa. Identifiers: Orphanet 303, MedGen C0079294, MONDO:0006543.
Recessive dystrophic epidermolysis bullosa (RDEB). Also called: Epidermolysis Bullosa Distrophica Autosomal Recessive (RDEB); severe generalized recessive dystrophic epidermolysis bullosa; epidermolysis bullosa dystrophica, autosomal recessive; DYSTROPHIC EPIDERMOLYSIS BULLOSA, AUTOSOMAL RECESSIVE; EPIDERMOLYSIS BULLOSA DYSTROPHICA, HALLOPEAU-SIEMENS TYPE; Hallopeau-Siemens Disease. Identifiers: Orphanet 79408, Orphanet 79409, MedGen C0079474, MONDO:0009179, OMIM 226600.

gnomAD v4.1: 2 of 1,613,558 alleles (0.00012%); highest among the groups gnomAD compares: Non-Finnish European, 0.00017%; no homozygotes.

Submissions (2):

Myriad Genetics, Inc.
Classification: Pathogenic for Recessive dystrophic epidermolysis bullosa. Last evaluated: 2025-12-30. Review status: criteria provided, single submitter. Criteria: Myriad Autosomal Dominant, Autosomal Recessive and X-Linked Classification Criteria (2023). Collection method: clinical testing. Allele origin: unknown.
Comment: NM_000094.3(COL7A1):c.2387G>A(W796*) is expected to be pathogenic in the context of dystrophic epidermolysis bullosa. This variant is predicted to lead to an abnormal or absent protein product due to the creation of a premature termination codon in COL7A1, a gene where loss-of-function variants are known to be pathogenic. Please note: this variant was assessed in the context of healthy population screening.

Natera, Inc.
Classification: Pathogenic for Dystrophic epidermolysis bullosa. Last evaluated: 2025-07-10. Review status: criteria provided, single submitter. Criteria: Natera Variant Classification Schema (03/2026). Collection method: clinical testing. Allele origin: germline.
Comment: The c.2387G>A variant in COL7A1 is a nonsense variant predicted to introduce a stop codon at amino acid 796. This variant is expected to result in nonsense mediated decay, truncation, or a dysfunctional protein product. This variant is rare in the general population with a frequency below the threshold expected for the associated phenotype(s). This variant has been observed in one or more individuals affected with the associated recessive disease, as either homozygous or compound heterozygous with a second variant (PMID: 22266148, 8900535). Given the available evidence, this variant is classified as Pathogenic.

Literature cited by the submitters: PubMed 22266148 (cited by Natera, Inc.); PubMed 8900535 (cited by Natera, Inc.).

NM_000094.4(COL7A1):c.2387G>A (p.Trp796Ter)

Gene: COL7A1 (collagen type VII alpha 1 chain; minus strand). Cytogenetic location: 3p21.31.
Variant type: single nucleotide variant.
Coding change: c.2387G>A on transcript NM_000094.4 (MANE Select); coding-DNA position 2387, G replaced by A.
Protein change: p.Trp796Ter; replaces tryptophan 796 with a stop codon.
Molecular consequence: nonsense.
Genome position (GRCh38, 1-based): chr3:48,588,923, C>T on the plus strand (G>A on the coding strand, the complement: COL7A1 is on the minus strand). VCF-style: chr3-48588923-C-T. GRCh37 (hg19) VCF-style: chr3-48626356-C-T.
Other names: short protein forms W796*.
Identifiers: ClinVar variation 4817362 (VCV004817362.2).